The following is an entry in ClinVar:

ClinVar aggregate classification (germline): Benign/Likely benign. Review status: criteria provided, multiple submitters, no conflicts (2 of 4 stars). 7 submissions from 6 submitters: Benign (4); Likely benign (3). Last evaluated 2026-01-31.

Conditions:
Seckel syndrome 5 (SCKL5). Identifiers: Orphanet 808, MedGen C3151187, MONDO:0013443, OMIM 613823.
Microcephaly 9, primary, autosomal recessive. Identifiers: Orphanet 2512, MedGen C3553886, MONDO:0013923, OMIM 614852.

Allele frequency attached by ClinVar (database versions not stated): gnomAD exomes 0.00045 and 0.00127; ExAC 0.00150; gnomAD 0.00540 and 0.00563; ESP Exome Variant Server 0.00565; TOPMed 0.00586; 1000 Genomes Project 0.00799; 1000 Genomes Project 30x 0.00843.
gnomAD v4.1: 1,515 of 1,614,046 alleles (0.094%); highest among the groups gnomAD compares: African/African-American, 1.8%; 16 homozygotes.

Submissions (7):

Labcorp Genetics (formerly Invitae), Labcorp
Classification: Benign. Last evaluated: 2026-01-31. Review status: criteria provided, single submitter. Criteria: Invitae Variant Classification Sherloc (09022015). Collection method: clinical testing. Allele origin: germline.

Illumina Laboratory Services, Illumina
Classification: Likely benign for Microcephaly 9, primary, autosomal recessive. Last evaluated: 2018-01-13. Review status: criteria provided, single submitter. Criteria: ICSL Variant Classification Criteria 13 December 2019. Collection method: clinical testing. Allele origin: germline.
Comment: This variant was observed in the ICSL laboratory as part of a predisposition screen in an ostensibly healthy population. It had not been previously curated by ICSL or reported in the Human Gene Mutation Database (HGMD: prior to June 1st, 2018), and was therefore a candidate for classification through an automated scoring system. Utilizing variant allele frequency, disease prevalence and penetrance estimates, and inheritance mode, an automated score was calculated to assess if this variant is too frequent to cause the disease. Based on the score and internal cut-off values, a variant classified as likely benign is not then subjected to further curation. The score for this variant resulted in a classification of likely benign for this disease.

Illumina Laboratory Services, Illumina
Classification: Benign for Seckel syndrome 5. Last evaluated: 2018-01-13. Review status: criteria provided, single submitter. Criteria: ICSL Variant Classification Criteria 13 December 2019. Collection method: clinical testing. Allele origin: germline.
Comment: This variant was observed in the ICSL laboratory as part of a predisposition screen in an ostensibly healthy population. It had not been previously curated by ICSL or reported in the Human Gene Mutation Database (HGMD: prior to June 1st, 2018), and was therefore a candidate for classification through an automated scoring system. Utilizing variant allele frequency, disease prevalence and penetrance estimates, and inheritance mode, an automated score was calculated to assess if this variant is too frequent to cause the disease. Based on the score and internal cut-off values, a variant classified as benign is not then subjected to further curation. The score for this variant resulted in a classification of benign for this disease.

GeneDx
Classification: Benign. Last evaluated: 2017-02-20. Review status: criteria provided, single submitter. Criteria: GeneDx Variant Classification (06012015). Collection method: clinical testing. Allele origin: germline. Affected: yes.
Comment: This variant is considered likely benign or benign based on one or more of the following criteria: it is a conservative change, it occurs at a poorly conserved position in the protein, it is predicted to be benign by multiple in silico algorithms, and/or has population frequency not consistent with disease.

Center for Pediatric Genomic Medicine, Children's Mercy Hospital and Clinics
Classification: Likely benign. Last evaluated: 2016-09-13. Review status: criteria provided, single submitter. Criteria: ACMG Guidelines, 2015. Collection method: clinical testing. Allele origin: germline.
ClinVar note: Converted during submission from Likely Benign to Likely benign.

Genetic Services Laboratory, University of Chicago
Classification: Benign. Last evaluated: 2013-02-08. Review status: criteria provided, single submitter. Criteria: ACMG Guidelines, 2007. Collection method: clinical testing. Allele origin: germline. Inheritance: Autosomal recessive inheritance.

Breakthrough Genomics
Classification: Likely benign. Review status: criteria provided, single submitter. Criteria: ACMG Guidelines, 2015. Collection method: not provided. Allele origin: germline. Inheritance: Autosomal recessive inheritance. Affected: yes.

NM_001194998.2(CEP152):c.3278G>A (p.Cys1093Tyr)

Gene: CEP152 (centrosomal protein 152; minus strand). Cytogenetic location: 15q21.1.
Variant type: single nucleotide variant.
Coding change: c.3278G>A on transcript NM_001194998.2 (MANE Select); coding-DNA position 3278, G replaced by A.
Protein change: p.Cys1093Tyr; replaces cysteine 1093 with tyrosine.
Molecular consequence: missense variant.
Genome position (GRCh38, 1-based): chr15:48,755,970, C>T on the plus strand (G>A on the coding strand, the complement: CEP152 is on the minus strand). VCF-style: chr15-48755970-C-T. GRCh37 (hg19) VCF-style: chr15-49048167-C-T.
Other names: c.3278G>A, p.Cys1093Tyr (NM_014985.4); short protein forms C1093Y.
Identifiers: ClinVar variation 158252 (VCV000158252.21), dbSNP rs74012142, ClinGen allele CA171722.